The following is an entry in ClinVar:

NM_015450.3(POT1):c.358A>T (p.Ser120Cys)

Gene: POT1 (protection of telomeres 1; minus strand). Cytogenetic location: 7q31.33.
Variant type: single nucleotide variant.
Coding change: c.358A>T on transcript NM_015450.3 (MANE Select); coding-DNA position 358, A replaced by T.
Protein change: p.Ser120Cys; replaces serine 120 with cysteine.
Molecular consequence: missense variant. On other transcripts: 5 prime UTR variant (1), non-coding transcript variant (3).
Genome position (GRCh38, 1-based): chr7:124,863,538, T>A on the plus strand (A>T on the coding strand, the complement: POT1 is on the minus strand). VCF-style: chr7-124863538-T-A. GRCh37 (hg19) VCF-style: chr7-124503592-T-A.
Other names: c.-36A>T (NM_001042594.2); short protein forms S120C.
Identifiers: ClinVar variation 4824161 (VCV004824161.1).

ClinVar aggregate classification (germline): Uncertain significance (1 of 4 stars; one submission).

Conditions:
Hereditary cancer-predisposing syndrome. Also called: Neoplastic Syndromes, Hereditary; Hereditary neoplastic syndrome; Tumor predisposition; Hereditary Cancer Syndrome. Identifiers: Orphanet 140162, MedGen C0027672, MeSH D009386, MONDO:0015356.

Submission:

Ambry Genetics
Classification: Uncertain significance for Hereditary cancer-predisposing syndrome. Last evaluated: 2026-02-02. Review status: criteria provided, single submitter. Criteria: Ambry Variant Classification Scheme 2023. Collection method: clinical testing. Allele origin: germline.
Comment: The p.S120C variant (also known as c.358A>T), located in coding exon 4 of the POT1 gene, results from an A to T substitution at nucleotide position 358. The serine at codon 120 is replaced by cysteine, an amino acid with dissimilar properties. This amino acid position is highly conserved in available vertebrate species. In addition, this alteration is predicted to be tolerated by in silico analysis. Based on the available evidence, the clinical significance of this variant remains unclear.